The following is an entry in ClinVar:

ClinVar aggregate classification (germline): Benign (1 of 4 stars; one submission).

Allele frequency attached by ClinVar (database versions not stated): 1000 Genomes Project 30x 0.86633; TOPMed 0.86765; 1000 Genomes Project 0.87001; gnomAD 0.88128 and 0.88583.
gnomAD v4.1: 134,947 of 152,302 alleles (89%); highest among the groups gnomAD compares: South Asian, 97%; 60,512 homozygotes.

Submission:

GeneDx
Classification: Benign. Last evaluated: 2018-06-14. Review status: criteria provided, single submitter. Criteria: GeneDx Variant Classification (06012015). Collection method: clinical testing. Allele origin: germline. Affected: yes.
Comment: This variant is considered likely benign or benign based on one or more of the following criteria: it is a conservative change, it occurs at a poorly conserved position in the protein, it is predicted to be benign by multiple in silico algorithms, and/or has population frequency not consistent with disease.

NM_001077365.2(POMT1):c.1826-248T>C

Gene: POMT1 (protein O-mannosyltransferase 1; plus strand). Cytogenetic location: 9q34.13.
Variant type: single nucleotide variant.
Coding change: c.1826-248T>C on transcript NM_001077365.2 (MANE Select); 248 bases into the intron before coding-DNA position 1826, T replaced by C.
Molecular consequence: intron variant.
Genome position (GRCh38, 1-based): chr9:131,521,799, T>C. VCF-style: chr9-131521799-T-C. GRCh37 (hg19) VCF-style: chr9-134397186-T-C.
Other names: c.1730-248T>C (NM_001353198.2, NM_001353197.2); c.1892-248T>C (NM_001353193.2, NM_007171.4); c.1826-248T>C (NM_001136113.2); c.1664-248T>C (NM_001353194.2, NM_001077366.2); c.1475-248T>C (NM_001374691.1, NM_001353195.2, NM_001374692.1 and 2 more transcripts); c.1607-248T>C (NM_001374690.1); c.1736-248T>C (NM_001353196.2); c.1436-248T>C (NM_001374695.1); and 3 more.
Identifiers: ClinVar variation 668014 (VCV000668014.1), dbSNP rs7870715, ClinGen allele CA13040157.